The following is an entry in ClinVar:

NM_001364905.1(LRBA):c.8508_8510dup (p.Leu2836_Phe2837insLeu)

Gene: LRBA (LPS responsive beige-like anchor protein; minus strand). Cytogenetic location: 4q31.3.
Variant type: Duplication.
Coding change: c.8508_8510dup on transcript NM_001364905.1 (MANE Select); coding-DNA positions 8508 to 8510, 3 bases duplicated (ATT; older notation c.8508_8510dupATT).
Protein change: p.Leu2836_Phe2837insLeu.
Molecular consequence: inframe insertion. On other transcripts: inframe indel (2).
Genome position (GRCh38, 1-based): chr4:150,265,771-150,265,773, AAT duplicated on the plus strand (ATT on the coding strand, the reverse complement: LRBA is on the minus strand); duplicating any 3 consecutive bases within chr4:150,265,771-150,265,774 gives the same sequence; the c. name uses the placement nearest the transcript's 3' end. VCF-style (leftmost placement, unchanged base first): chr4-150265770-A-AAAT. GRCh37 (hg19) VCF-style: chr4-151186922-A-AAAT.
Other names: c.8504_8506dup, p.Leu2835_Phe2836insLeu (NM_001199282.3); c.8523_8525dup, p.Leu2841_Phe2842insLeu (NM_001367550.1); c.8540_8542dup, p.Leu2847_Phe2848insLeu (NM_006726.5).
Identifiers: ClinVar variation 939399 (VCV000939399.8), dbSNP rs758817236, ClinGen allele CA3101318.

ClinVar aggregate classification (germline): Uncertain significance. Review status: criteria provided, multiple submitters, no conflicts (2 of 4 stars). 2 submissions from 2 submitters: Uncertain significance (2). Last evaluated 2024-10-25.

Conditions:
Combined immunodeficiency due to LRBA deficiency. Also called: Common variable immunodeficiency 8, with autoimmunity. Identifiers: Orphanet 445018, MedGen C3553512, MONDO:0013863, OMIM 614700.

Submissions (2):

Blueprint Genetics
Classification: Uncertain significance. Last evaluated: 2024-10-25. Review status: criteria provided, single submitter. Criteria: ACMG Guidelines, 2015. Collection method: clinical testing. Allele origin: germline.

Labcorp Genetics (formerly Invitae), Labcorp
Classification: Uncertain significance for Combined immunodeficiency due to LRBA deficiency. Last evaluated: 2022-08-08. Review status: criteria provided, single submitter. Criteria: Invitae Variant Classification Sherloc (09022015). Collection method: clinical testing. Allele origin: germline.
Comment: This variant, c.8541_8543dup, results in the insertion of 1 amino acid(s) of the LRBA protein (p.Leu2847dup), but otherwise preserves the integrity of the reading frame. This variant is present in population databases (rs758817236, gnomAD 0.006%). This variant has not been reported in the literature in individuals affected with LRBA-related conditions. ClinVar contains an entry for this variant (Variation ID: 939399). Experimental studies and prediction algorithms are not available or were not evaluated, and the functional significance of this variant is currently unknown. In summary, the available evidence is currently insufficient to determine the role of this variant in disease. Therefore, it has been classified as a Variant of Uncertain Significance.